The following is an entry in ClinVar:

NM_000038.6(APC):c.6802A>G (p.Thr2268Ala)

Gene: APC (APC regulator of Wnt signaling pathway; plus strand). Cytogenetic location: 5q22.2.
Variant type: single nucleotide variant.
Coding change: c.6802A>G on transcript NM_000038.6 (MANE Select); coding-DNA position 6802, A replaced by G.
Protein change: p.Thr2268Ala; replaces threonine 2268 with alanine.
Molecular consequence: missense variant.
Genome position (GRCh38, 1-based): chr5:112,842,396, A>G. VCF-style: chr5-112842396-A-G. GRCh37 (hg19) VCF-style: chr5-112178093-A-G.
Other names: c.6802A>G, p.Thr2268Ala (NM_001127510.3, NM_001354895.2); c.6748A>G, p.Thr2250Ala (NM_001127511.3); c.6856A>G, p.Thr2286Ala (NM_001354896.2); c.6832A>G, p.Thr2278Ala (NM_001354897.2); c.6727A>G, p.Thr2243Ala (NM_001354898.2); c.6718A>G, p.Thr2240Ala (NM_001354899.2); c.6679A>G, p.Thr2227Ala (NM_001354900.2); c.6625A>G, p.Thr2209Ala (NM_001354901.2); and 5 more; short protein forms T1985A, T2108A, T2142A, T2167A, T2177A, T2209A, T2227A, T2240A.
Identifiers: ClinVar variation 1171958 (VCV001171958.5), dbSNP rs2149973569, ClinGen allele CA16036186.

ClinVar aggregate classification (germline): Uncertain significance. Review status: criteria provided, multiple submitters, no conflicts (2 of 4 stars). 2 submissions from 2 submitters: Uncertain significance (2). Last evaluated 2024-03-07.

Conditions:
Hereditary cancer-predisposing syndrome. Also called: Tumor predisposition; Hereditary neoplastic syndrome; Hereditary Cancer Syndrome; Neoplastic Syndromes, Hereditary. Identifiers: Orphanet 140162, MedGen C0027672, MeSH D009386, MONDO:0015356.

Submissions (2):

Color Diagnostics, LLC DBA Color Health
Classification: Uncertain significance for Hereditary cancer-predisposing syndrome. Last evaluated: 2024-03-07. Review status: criteria provided, single submitter. Criteria: ACMG Guidelines, 2015. Collection method: clinical testing. Allele origin: germline.
Comment: This missense variant replaces threonine with alanine at codon 2268 of the APC protein. Computational prediction suggests that this variant may not impact protein structure and function (internally defined REVEL score threshold <= 0.5, PMID: 27666373). To our knowledge, functional studies have not been reported for this variant. This variant has not been reported in individuals affected with hereditary cancer in the literature. This variant has not been identified in the general population by the Genome Aggregation Database (gnomAD). The available evidence is insufficient to determine the role of this variant in disease conclusively. Therefore, this variant is classified as a Variant of Uncertain Significance.

Ambry Genetics
Classification: Uncertain significance for Hereditary cancer-predisposing syndrome. Last evaluated: 2022-10-21. Review status: criteria provided, single submitter. Criteria: Ambry Variant Classification Scheme 2023. Collection method: clinical testing. Allele origin: germline.
Comment: The p.T2268A variant (also known as c.6802A>G), located in coding exon 15 of the APC gene, results from an A to G substitution at nucleotide position 6802. The threonine at codon 2268 is replaced by alanine, an amino acid with similar properties. This amino acid position is conserved. In addition, in silico predictors for this gene do not accurately predict pathogenicity. Since supporting evidence is limited at this time, the clinical significance of this alteration remains unclear.